The following is an entry in ClinVar:

NM_015978.3(TNNI3K):c.278G>A (p.Arg93His)

Genes: FPGT-TNNI3K (FPGT-TNNI3K readthrough; plus strand), TNNI3K (TNNI3 interacting kinase; plus strand). Cytogenetic location: 1p31.1.
Variant type: single nucleotide variant.
Coding change: c.278G>A on transcript NM_015978.3 (MANE Select); coding-DNA position 278, G replaced by A.
Protein change: p.Arg93His; replaces arginine 93 with histidine.
Molecular consequence: missense variant.
Genome position (GRCh38, 1-based): chr1:74,250,714, G>A. VCF-style: chr1-74250714-G-A. GRCh37 (hg19) VCF-style: chr1-74716398-G-A.
Other names: c.581G>A, p.Arg194His (NM_001112808.3, NM_001199327.2); short protein forms R194H, R93H.
Identifiers: ClinVar variation 1433379 (VCV001433379.10), dbSNP rs749552940, ClinGen allele CA908843.

ClinVar aggregate classification (germline): Uncertain significance. Review status: criteria provided, multiple submitters, no conflicts (2 of 4 stars). 3 submissions from 3 submitters: Uncertain significance (3). Last evaluated 2025-01-01.

Conditions:
Inborn genetic diseases. Identifiers: MedGen C0950123, MeSH D030342.
Atrial conduction disease. Identifiers: Orphanet 436242, MedGen CN221670, MONDO:0014500.

Allele frequency attached by ClinVar (database versions not stated): gnomAD exomes 0.00001 and 0.00002; TOPMed 0.00001; ExAC 0.00002.
gnomAD v4.1: 9 of 1,612,986 alleles (0.00056%); highest among the groups gnomAD compares: Admixed American, 0.0017%; no homozygotes.

Submissions (3):

Ambry Genetics
Classification: Uncertain significance for Inborn genetic diseases. Last evaluated: 2025-01-01. Review status: criteria provided, single submitter. Criteria: Ambry Variant Classification Scheme 2023. Collection method: clinical testing. Allele origin: germline.

Labcorp Genetics (formerly Invitae), Labcorp
Classification: Uncertain significance. Last evaluated: 2024-08-13. Review status: criteria provided, single submitter. Criteria: Invitae Variant Classification Sherloc (09022015). Collection method: clinical testing. Allele origin: germline.
Comment: This sequence change replaces arginine, which is basic and polar, with histidine, which is basic and polar, at codon 93 of the TNNI3K protein (p.Arg93His). This variant is present in population databases (rs749552940, gnomAD 0.007%). This variant has not been reported in the literature in individuals affected with TNNI3K-related conditions. ClinVar contains an entry for this variant (Variation ID: 1433379). Invitae Evidence Modeling of protein sequence and biophysical properties (such as structural, functional, and spatial information, amino acid conservation, physicochemical variation, residue mobility, and thermodynamic stability) indicates that this missense variant is not expected to disrupt TNNI3K protein function with a negative predictive value of 80%. In summary, the available evidence is currently insufficient to determine the role of this variant in disease. Therefore, it has been classified as a Variant of Uncertain Significance.

Genome-Nilou Lab
Classification: Uncertain significance for Cardiac conduction disease with or without dilated cardiomyopathy 1. Last evaluated: 2023-04-11. Review status: criteria provided, single submitter. Criteria: ACMG Guidelines, 2015. Collection method: clinical testing. Allele origin: germline. Affected: no.